The following is an entry in ClinVar:

NM_001330078.2(NRXN1):c.529C>T (p.Arg177Trp)

Gene: NRXN1 (neurexin 1; minus strand). Cytogenetic location: 2p16.3.
Variant type: single nucleotide variant.
Coding change: c.529C>T on transcript NM_001330078.2 (MANE Select); coding-DNA position 529, C replaced by T.
Protein change: p.Arg177Trp; replaces arginine 177 with tryptophan.
Molecular consequence: missense variant.
Genome position (GRCh38, 1-based): chr2:51,027,745, G>A on the plus strand (C>T on the coding strand, the complement: NRXN1 is on the minus strand). VCF-style: chr2-51027745-G-A. GRCh37 (hg19) VCF-style: chr2-51254883-G-A.
Other names: c.529C>T, p.Arg177Trp (NM_001135659.3, NM_001330077.2, NM_001330079.2 and 15 more transcripts); short protein forms R177W.
Identifiers: ClinVar variation 1317235 (VCV001317235.2), dbSNP rs1342441489, ClinGen allele CA346823824.
Genomic context (GRCh38, chr2:51,027,745, plus strand): 5'-CGGGCAGGACCTGCGAGGAGTTGACCCTCACGTCACGAATCCACCCCTTGAAGGGCTCCC[G>A]CTCCCTCACCGAGGCCAGGGTGAGCTTGAGCGCCGCGGCGCGCAGTTCCGGGGGCAGCCC-3'
Protein context (NP_001317007.1, residues 167-187): LKLTLASVRE[Arg177Trp]EPFKGWIRDV

ClinVar aggregate classification (germline): Uncertain significance (1 of 4 stars; one submission).

Allele frequency attached by ClinVar (database versions not stated): gnomAD 0.00001; gnomAD exomes 0.00001; TOPMed 0.00001.
gnomAD v4.1: 5 of 1,611,660 alleles (0.00031%); highest among the groups gnomAD compares: Non-Finnish European, 0.00042%; no homozygotes.

Submission:

GeneDx
Classification: Uncertain significance. Last evaluated: 2019-05-30. Review status: criteria provided, single submitter. Criteria: GeneDx Variant Classification Process June 2021. Collection method: clinical testing. Allele origin: germline. Affected: yes.
Comment: In silico analysis, which includes protein predictors and evolutionary conservation, supports a deleterious effect; Missense variant in a gene in which most reported pathogenic variants are truncating/loss-of-function; Has not been previously published as pathogenic or benign to our knowledge